The following is an entry in ClinVar:

NM_001563.4(IMPG1):c.1147T>A (p.Ser383Thr)

Gene: IMPG1 (interphotoreceptor matrix proteoglycan 1; minus strand). Cytogenetic location: 6q14.1.
Variant type: single nucleotide variant.
Coding change: c.1147T>A on transcript NM_001563.4 (MANE Select); coding-DNA position 1147, T replaced by A.
Protein change: p.Ser383Thr; replaces serine 383 with threonine.
Molecular consequence: missense variant.
Genome position (GRCh38, 1-based): chr6:76,003,939, A>T on the plus strand (T>A on the coding strand, the complement: IMPG1 is on the minus strand). VCF-style: chr6-76003939-A-T. GRCh37 (hg19) VCF-style: chr6-76713656-A-T.
Other names: c.913T>A, p.Ser305Thr (NM_001282368.2); c.1147T>A (NM_001563.2); short protein forms S305T, S383T.
Identifiers: ClinVar variation 968893 (VCV000968893.12), dbSNP rs746164603, ClinGen allele CA3898215.

ClinVar aggregate classification (germline): Uncertain significance. Review status: criteria provided, multiple submitters, no conflicts (2 of 4 stars). 3 submissions from 3 submitters: Uncertain significance (3). Last evaluated 2024-04-08.

Allele frequency attached by ClinVar (database versions not stated): gnomAD exomes below 0.00001 and 0.00001; ExAC 0.00001; TOPMed 0.00002; gnomAD 0.00003 and 0.00004.
gnomAD v4.1: 10 of 1,612,024 alleles (0.00062%); highest among the groups gnomAD compares: African/African-American, 0.013%; no homozygotes.

Submissions (3):

Ambry Genetics
Classification: Uncertain significance. Last evaluated: 2024-04-08. Review status: criteria provided, single submitter. Criteria: Ambry Variant Classification Scheme 2023. Collection method: clinical testing. Allele origin: germline.

Labcorp Genetics (formerly Invitae), Labcorp
Classification: Uncertain significance. Last evaluated: 2022-07-11. Review status: criteria provided, single submitter. Criteria: Invitae Variant Classification Sherloc (09022015). Collection method: clinical testing. Allele origin: germline.
Comment: In summary, the available evidence is currently insufficient to determine the role of this variant in disease. Therefore, it has been classified as a Variant of Uncertain Significance. Algorithms developed to predict the effect of missense changes on protein structure and function (SIFT, PolyPhen-2, Align-GVGD) all suggest that this variant is likely to be tolerated. ClinVar contains an entry for this variant (Variation ID: 968893). This variant has not been reported in the literature in individuals affected with IMPG1-related conditions. This variant is present in population databases (rs746164603, gnomAD 0.01%). This sequence change replaces serine, which is neutral and polar, with threonine, which is neutral and polar, at codon 383 of the IMPG1 protein (p.Ser383Thr).

Blueprint Genetics
Classification: Uncertain significance. Last evaluated: 2019-01-10. Review status: criteria provided, single submitter. Criteria: ACMG Guidelines, 2015. Collection method: clinical testing. Allele origin: germline.